The following is an entry in ClinVar:

ClinVar aggregate classification (germline): Uncertain significance (1 of 4 stars; one submission).

Conditions:
PTPRQ-related disorder. Also called: PTPRQ-related condition.

gnomAD v4.1: 7 of 1,539,134 alleles (0.00045%); highest among the groups gnomAD compares: African/African-American, 0.0096%; no homozygotes.

Submission:

PreventionGenetics, part of Exact Sciences
Classification: Uncertain significance for PTPRQ-related condition. Last evaluated: 2026-09-25. Review status: criteria provided, single submitter. Criteria: ACMG Guidelines, 2015. Collection method: clinical testing. Allele origin: germline.
Comment: The PTPRQ c.920G>A variant is predicted to result in the amino acid substitution p.Gly307Glu. To our knowledge, this variant has not been reported in the literature. This variant is reported in 0.013% of alleles in individuals of African descent in gnomAD. At this time, the clinical significance of this variant is uncertain due to the absence of conclusive functional and genetic evidence.

NM_001145026.2(PTPRQ):c.920G>A (p.Gly307Glu)

Gene: PTPRQ (protein tyrosine phosphatase receptor type Q; plus strand). Cytogenetic location: 12q21.31.
Variant type: single nucleotide variant.
Coding change: c.920G>A on transcript NM_001145026.2 (MANE Select); coding-DNA position 920, G replaced by A.
Protein change: p.Gly307Glu; replaces glycine 307 with glutamic acid.
Molecular consequence: missense variant.
Genome position (GRCh38, 1-based): chr12:80,468,719, G>A. VCF-style: chr12-80468719-G-A. GRCh37 (hg19) VCF-style: chr12-80862498-G-A.
Other names: short protein forms G307E.
Identifiers: ClinVar variation 5002202 (VCV005002202.1).